The following is an entry in ClinVar:

ClinVar aggregate classification (germline): Benign/Likely benign. Review status: criteria provided, multiple submitters, no conflicts (2 of 4 stars). 5 submissions from 5 submitters: Benign (1); Likely benign (4). Last evaluated 2025-12-01.

Conditions:
Mismatch repair cancer syndrome 3. Identifiers: MedGen C5436807, MONDO:0030841, OMIM 619097.
Lynch syndrome 5 (LYNCH5). Also called: Colorectal cancer, hereditary nonpolyposis, type 5; Hereditary non-polyposis colorectal cancer, type 5. Identifiers: Orphanet 144, MedGen C1833477, MONDO:0013710, OMIM 614350. Disease mechanism: loss of function.
Endometrial carcinoma. Also called: Endometrial carcinoma, somatic. Identifiers: MedGen C0476089, MONDO:0002447, OMIM 608089, HP:0012114.
Hereditary cancer-predisposing syndrome. Also called: Neoplastic Syndromes, Hereditary; Tumor predisposition; Hereditary Cancer Syndrome; Hereditary neoplastic syndrome. Identifiers: Orphanet 140162, MedGen C0027672, MeSH D009386, MONDO:0015356.
Hereditary nonpolyposis colorectal neoplasms. Identifiers: MedGen C0009405, MeSH D003123.

Submissions (5):

Labcorp Genetics (formerly Invitae), Labcorp
Classification: Likely benign for Hereditary nonpolyposis colorectal neoplasms. Last evaluated: 2025-12-01. Review status: criteria provided, single submitter. Criteria: Invitae Variant Classification Sherloc (09022015). Collection method: clinical testing. Allele origin: germline.

Department of Pathology and Laboratory Medicine, Sinai Health System
Classification: Likely benign for Endometrial carcinoma; Lynch syndrome 5; Mismatch repair cancer syndrome 3. Last evaluated: 2024-12-19. Review status: criteria provided, single submitter. Criteria: ACMG Guidelines, 2015. Collection method: clinical testing. Allele origin: germline.

Myriad Genetics, Inc.
Classification: Benign for Lynch syndrome 5. Last evaluated: 2024-12-17. Review status: criteria provided, single submitter. Criteria: Myriad Autosomal Dominant, Autosomal Recessive and X-Linked Classification Criteria (2023). Collection method: clinical testing. Allele origin: unknown.
Comment: This variant is considered benign. This variant is a silent/synonymous amino acid change and it is not expected to impact splicing.

Ambry Genetics
Classification: Likely benign for Hereditary cancer-predisposing syndrome. Last evaluated: 2022-04-27. Review status: criteria provided, single submitter. Criteria: Ambry Variant Classification Scheme 2023. Collection method: clinical testing. Allele origin: germline.

Color Diagnostics, LLC DBA Color Health
Classification: Likely benign for Hereditary cancer-predisposing syndrome. Last evaluated: 2019-11-06. Review status: criteria provided, single submitter. Criteria: ACMG Guidelines, 2015. Collection method: clinical testing. Allele origin: germline.

NM_000179.3(MSH6):c.258C>A (p.Thr86=)

Genes: MSH6 (mutS homolog 6; plus strand), LOC129933707 (ATAC-STARR-seq lymphoblastoid silent region 11468; plus strand). Cytogenetic location: 2p16.3.
Variant type: single nucleotide variant.
Coding change: c.258C>A on transcript NM_000179.3 (MANE Select); coding-DNA position 258, C replaced by A.
Protein change: p.Thr86=; no amino-acid change (threonine 86 retained).
Molecular consequence: synonymous variant. On other transcripts: 5 prime UTR variant (1), intron variant (1).
Genome position (GRCh38, 1-based): chr2:47,783,491, C>A. VCF-style: chr2-47783491-C-A. GRCh37 (hg19) VCF-style: chr2-48010630-C-A.
Other names: c.-479C>A (NM_001281493.2); c.237+21C>A (NM_001281492.2).
Identifiers: ClinVar variation 923515 (VCV000923515.14), dbSNP rs1553408461, ClinGen allele CA426120884.